The following is an entry in ClinVar:

ClinVar aggregate classification (germline): Uncertain significance (1 of 4 stars; one submission).

Allele frequency attached by ClinVar (database versions not stated): TOPMed 0.00001.

Submission:

Labcorp Genetics (formerly Invitae), Labcorp
Classification: Uncertain significance. Last evaluated: 2022-07-18. Review status: criteria provided, single submitter. Criteria: Invitae Variant Classification Sherloc (09022015). Collection method: clinical testing. Allele origin: germline.
Comment: In summary, the available evidence is currently insufficient to determine the role of this variant in disease. Therefore, it has been classified as a Variant of Uncertain Significance. Experimental studies and prediction algorithms are not available or were not evaluated, and the functional significance of this variant is currently unknown. ClinVar contains an entry for this variant (Variation ID: 1380790). This variant has not been reported in the literature in individuals affected with AIMP2-related conditions. This variant is not present in population databases (gnomAD no frequency). This sequence change creates a premature translational stop signal (p.Leu133Profs*55) in the AIMP2 gene. While this is not anticipated to result in nonsense mediated decay, it is expected to disrupt the last 188 amino acid(s) of the AIMP2 protein.

NM_006303.4(AIMP2):c.398del (p.Leu133fs)

Gene: AIMP2 (aminoacyl tRNA synthetase complex interacting multifunctional protein 2; plus strand). Cytogenetic location: 7p22.1.
Variant type: Deletion.
Coding change: c.398del on transcript NM_006303.4 (MANE Select); coding-DNA position 398, one base deleted (T; older notation c.398delT).
Protein change: p.Leu133fs; shifts the reading frame from leucine 133.
Molecular consequence: frameshift variant.
Genome position (GRCh38, 1-based): chr7:6,017,869, T deleted. VCF-style (leftmost placement, unchanged base first): chr7-6017868-CT-C. GRCh37 (hg19) VCF-style: chr7-6057499-CT-C.
Other names: c.278del, p.Leu93fs (NM_001326606.2); c.191del, p.Leu64fs (NM_001326607.2); c.164del, p.Leu55fs (NM_001326609.2, NM_001326610.2, NM_001326611.3); c.311del, p.Leu104fs (NM_001362785.2); c.266del, p.Leu89fs (NM_001362787.2); short protein forms L55fs, L89fs, L104fs, L64fs, L133fs, L93fs.
Identifiers: ClinVar variation 1380790 (VCV001380790.6), dbSNP rs1419220644, ClinGen allele CA840364785.